The following is an entry in ClinVar:

NM_001048174.2(MUTYH):c.914-10C>G

Gene: MUTYH (mutY DNA glycosylase; minus strand). Cytogenetic location: 1p34.1.
Variant type: single nucleotide variant.
Coding change: c.914-10C>G on transcript NM_001048174.2 (MANE Select); 10 bases into the intron before coding-DNA position 914, C replaced by G.
Molecular consequence: intron variant.
Genome position (GRCh38, 1-based): chr1:45,331,859, G>C on the plus strand (C>G on the coding strand, the complement: MUTYH is on the minus strand). VCF-style: chr1-45331859-G-C. GRCh37 (hg19) VCF-style: chr1-45797531-G-C.
Other names: c.569-10C>G (NM_001350651.2, NM_001350650.2); c.638-10C>G (NM_001293192.2, NM_001293196.2); c.914-10C>G (NM_001048171.2, NM_001048173.2, NM_001293195.2); c.959-10C>G (NM_001293190.2); c.989-10C>G (NM_012222.3); c.998-10C>G (NM_001128425.2); c.917-10C>G (NM_001048172.2); c.947-10C>G (NM_001293191.2).
Identifiers: ClinVar variation 1476086 (VCV001476086.8), dbSNP rs2149130507, ClinGen allele CA2573132038.

ClinVar aggregate classification (germline): Uncertain significance (1 of 4 stars; one submission).

Conditions:
Familial adenomatous polyposis 2. Also called: MYH-associated polyposis; Adenomas, multiple colorectal; COLORECTAL ADENOMATOUS POLYPOSIS, AUTOSOMAL RECESSIVE; ADENOMAS, MULTIPLE COLORECTAL, AUTOSOMAL RECESSIVE; FAP type 2; MUTYH Polyposis. Identifiers: Orphanet 220460, Orphanet 247798, MedGen C3272841, MONDO:0012041, OMIM 608456.

Submission:

Labcorp Genetics (formerly Invitae), Labcorp
Classification: Uncertain significance for Familial adenomatous polyposis 2. Last evaluated: 2021-06-24. Review status: criteria provided, single submitter. Criteria: Invitae Variant Classification Sherloc (09022015). Collection method: clinical testing. Allele origin: germline.
Comment: This variant is not present in population databases (ExAC no frequency). In summary, the available evidence is currently insufficient to determine the role of this variant in disease. Therefore, it has been classified as a Variant of Uncertain Significance. Algorithms developed to predict the effect of sequence changes on RNA splicing suggest that this variant may disrupt the consensus splice site, but this prediction has not been confirmed by published transcriptional studies. This variant has not been reported in the literature in individuals with MUTYH-related conditions. This sequence change falls in intron 11 of the MUTYH gene. It does not directly change the encoded amino acid sequence of the MUTYH protein.